The following is an entry in ClinVar:

ClinVar aggregate classification (germline): Uncertain significance. Review status: criteria provided, multiple submitters, no conflicts (2 of 4 stars). 3 submissions from 3 submitters: Uncertain significance (3). Last evaluated 2025-06-22.

Conditions:
Hereditary cancer-predisposing syndrome. Also called: Tumor predisposition; Neoplastic Syndromes, Hereditary; Hereditary neoplastic syndrome; Hereditary Cancer Syndrome. Identifiers: Orphanet 140162, MedGen C0027672, MeSH D009386, MONDO:0015356.
Endometrial carcinoma. Also called: Endometrial carcinoma, somatic. Identifiers: MedGen C0476089, MONDO:0002447, OMIM 608089, HP:0012114.

Allele frequency attached by ClinVar (database versions not stated): gnomAD exomes below 0.00001; gnomAD 0.00001 and 0.00002; TOPMed 0.00002.
gnomAD v4.1: 7 of 1,613,442 alleles (0.00043%); highest among the groups gnomAD compares: African/African-American, 0.0067%; no homozygotes.

Submissions (3):

Labcorp Genetics (formerly Invitae), Labcorp
Classification: Uncertain significance. Last evaluated: 2025-06-22. Review status: criteria provided, single submitter. Criteria: Invitae Variant Classification Sherloc (09022015). Collection method: clinical testing. Allele origin: germline.
Comment: This sequence change replaces serine, which is neutral and polar, with phenylalanine, which is neutral and non-polar, at codon 661 of the MSH3 protein (p.Ser661Phe). This variant is present in population databases (no rsID available, gnomAD 0.008%). This variant has not been reported in the literature in individuals affected with MSH3-related conditions. ClinVar contains an entry for this variant (Variation ID: 850403). An algorithm developed to predict the effect of missense changes on protein structure and function (PolyPhen-2) suggests that this variant is likely to be disruptive. In summary, the available evidence is currently insufficient to determine the role of this variant in disease. Therefore, it has been classified as a Variant of Uncertain Significance.

Baylor Genetics
Classification: Uncertain significance for Endometrial carcinoma. Last evaluated: 2024-03-08. Review status: criteria provided, single submitter. Criteria: ACMG Guidelines, 2015. Collection method: clinical testing. Allele origin: unknown.

Ambry Genetics
Classification: Uncertain significance for Hereditary cancer-predisposing syndrome. Last evaluated: 2023-12-14. Review status: criteria provided, single submitter. Criteria: Ambry Variant Classification Scheme 2023. Collection method: clinical testing. Allele origin: germline.
Comment: The p.S661F variant (also known as c.1982C>T), located in coding exon 14 of the MSH3 gene, results from a C to T substitution at nucleotide position 1982. The serine at codon 661 is replaced by phenylalanine, an amino acid with highly dissimilar properties. This amino acid position is well conserved in available vertebrate species. In addition, the in silico prediction for this alteration is inconclusive. Since supporting evidence is limited at this time, the clinical significance of this alteration remains unclear.

NM_002439.5(MSH3):c.1982C>T (p.Ser661Phe)

Gene: MSH3 (mutS homolog 3; plus strand). Cytogenetic location: 5q14.1.
Variant type: single nucleotide variant.
Coding change: c.1982C>T on transcript NM_002439.5 (MANE Select); coding-DNA position 1982, C replaced by T.
Protein change: p.Ser661Phe; replaces serine 661 with phenylalanine.
Molecular consequence: missense variant.
Genome position (GRCh38, 1-based): chr5:80,768,018, C>T. VCF-style: chr5-80768018-C-T. GRCh37 (hg19) VCF-style: chr5-80063837-C-T.
Other names: short protein forms S661F.
Identifiers: ClinVar variation 850403 (VCV000850403.13), dbSNP rs1267678112, ClinGen allele CA360277633.